The following is an entry in ClinVar:

ClinVar aggregate classification (germline): Likely benign. Review status: criteria provided, multiple submitters, no conflicts (2 of 4 stars). 2 submissions from 2 submitters: Likely benign (2). Last evaluated 2025-12-02.

Conditions:
Charcot-Marie-Tooth disease type 4. Also called: Charcot-Marie-Tooth disease, type IV; Charcot-Marie-Tooth, Type 4. Identifiers: Orphanet 64749, MedGen C4082197, MONDO:0018995.

Allele frequency attached by ClinVar (database versions not stated): ExAC 0.00001; gnomAD 0.00001; gnomAD exomes 0.00001; TOPMed 0.00002; ESP Exome Variant Server 0.00008.
gnomAD v4.1: 15 of 1,614,002 alleles (0.00093%); highest among the groups gnomAD compares: Non-Finnish European, 0.0013%; no homozygotes.

Submissions (2):

Labcorp Genetics (formerly Invitae), Labcorp
Classification: Likely benign for Charcot-Marie-Tooth disease type 4. Last evaluated: 2025-12-02. Review status: criteria provided, single submitter. Criteria: Invitae Variant Classification Sherloc (09022015). Collection method: clinical testing. Allele origin: germline.

CeGaT Center for Human Genetics Tuebingen
Classification: Likely benign. Last evaluated: 2022-05-01. Review status: criteria provided, single submitter. Criteria: CeGaT Center For Human Genetics Tuebingen Variant Classification Criteria Version 2. Collection method: clinical testing. Allele origin: germline. Affected: yes. Observed: 1 variant allele.
Comment: SBF2: BP4, BP7

NM_030962.4(SBF2):c.1770T>C (p.Asp590=)

Gene: SBF2 (SET binding factor 2; minus strand). Cytogenetic location: 11p15.4.
Variant type: single nucleotide variant.
Coding change: c.1770T>C on transcript NM_030962.4 (MANE Select); coding-DNA position 1770, T replaced by C.
Protein change: p.Asp590=; no amino-acid change (aspartic acid 590 retained).
Molecular consequence: synonymous variant.
Genome position (GRCh38, 1-based): chr11:9,962,047, A>G on the plus strand (T>C on the coding strand, the complement: SBF2 is on the minus strand). VCF-style: chr11-9962047-A-G. GRCh37 (hg19) VCF-style: chr11-9983594-A-G.
Other names: c.1770T>C, p.Asp590= (NM_001386339.1); c.1641T>C, p.Asp547= (NM_001386342.1).
Identifiers: ClinVar variation 1110459 (VCV001110459.33), dbSNP rs149269991, ClinGen allele CA5881749.